The following is an entry in ClinVar:

ClinVar aggregate classification (germline): Pathogenic/Likely pathogenic. Review status: criteria provided, multiple submitters, no conflicts (2 of 4 stars). 3 submissions from 3 submitters: Pathogenic (1); Likely pathogenic (2). Last evaluated 2024-04-26.

Conditions:
Propionic acidemia (PROP). Also called: GLYCINEMIA, KETOTIC; HYPERGLYCINEMIA WITH KETOACIDOSIS AND LEUKOPENIA; KETOTIC HYPERGLYCINEMIA. Identifiers: Orphanet 35, MedGen C0268579, MONDO:0011628, OMIM 606054, HP:0003571.

Submissions (3):

Fulgent Genetics
Classification: Likely pathogenic for Propionic acidemia. Last evaluated: 2024-04-26. Review status: criteria provided, single submitter. Criteria: ACMG Guidelines, 2015. Collection method: clinical testing. Allele origin: germline.

Revvity Omics, Revvity
Classification: Likely pathogenic for Propionic acidemia. Last evaluated: 2023-01-19. Review status: criteria provided, single submitter. Criteria: ACMG Guidelines, 2015. Collection method: clinical testing. Allele origin: germline.

Labcorp Genetics (formerly Invitae), Labcorp
Classification: Pathogenic for Propionic acidemia. Last evaluated: 2022-10-06. Review status: criteria provided, single submitter. Criteria: Invitae Variant Classification Sherloc (09022015). Collection method: clinical testing. Allele origin: germline.
Comment: This sequence change creates a premature translational stop signal (p.Leu424Valfs*17) in the PCCA gene. It is expected to result in an absent or disrupted protein product. Loss-of-function variants in PCCA are known to be pathogenic (PMID: 15464417). This variant has not been reported in the literature in individuals affected with PCCA-related conditions. For these reasons, this variant has been classified as Pathogenic. This variant is not present in population databases (gnomAD no frequency).

Literature cited by the submitters: PubMed 15464417 (cited by Labcorp Genetics (formerly Invitae), Labcorp).

NM_000282.4(PCCA):c.1268dup (p.Leu424fs)

Gene: PCCA (propionyl-CoA carboxylase subunit alpha; plus strand). Cytogenetic location: 13q32.3.
Variant type: Duplication.
Coding change: c.1268dup on transcript NM_000282.4 (MANE Select); coding-DNA position 1268, one base duplicated (C; older notation c.1268dupC).
Protein change: p.Leu424fs; shifts the reading frame from leucine 424.
Molecular consequence: frameshift variant. On other transcripts: non-coding transcript variant (5).
Genome position (GRCh38, 1-based): chr13:100,302,982, C duplicated; the last of 2 consecutive C bases (chr13:100,302,981-100,302,982); duplicating either gives the same sequence. VCF-style (leftmost placement, unchanged base first): chr13-100302980-A-AC. GRCh37 (hg19) VCF-style: chr13-100955234-A-AC.
Other names: c.1190dup, p.Leu398fs (NM_001127692.3, NM_001352607.2); c.1268dup, p.Leu424fs (NM_001178004.2, NM_001352605.2, NM_001352609.2); c.1124dup, p.Leu376fs (NM_001352606.2); c.1046dup, p.Leu350fs (NM_001352608.2); c.323dup, p.Leu109fs (NM_001352610.2, NM_001352611.2); c.179dup, p.Leu61fs (NM_001352612.2); short protein forms L350fs, L61fs, L109fs, L376fs, L424fs, L398fs.
Identifiers: ClinVar variation 1947603 (VCV001947603.9), dbSNP rs2548123187, ClinGen allele CA2580086979.
Genomic context (GRCh38, chr13:100,302,980, plus strand): 5'-TCAGGACCCCTACAAGTCTTTTGGTTTACCATCTATTGGGAGATTGTCTCAGTACCAAGA[A>AC]CCGTTACATCTACCTGGTGTAAGTCATTAAGCTGTAATACCAGCTGAAGGGTTAAAATCG-3'